The following is an entry in ClinVar:

NM_001367561.1(DOCK7):c.3407T>C (p.Leu1136Ser)

Gene: DOCK7 (dedicator of cytokinesis 7; minus strand). Cytogenetic location: 1p31.3.
Variant type: single nucleotide variant.
Coding change: c.3407T>C on transcript NM_001367561.1 (MANE Select); coding-DNA position 3407, T replaced by C.
Protein change: p.Leu1136Ser; replaces leucine 1136 with serine.
Molecular consequence: missense variant.
Genome position (GRCh38, 1-based): chr1:62,537,955, A>G on the plus strand (T>C on the coding strand, the complement: DOCK7 is on the minus strand). VCF-style: chr1-62537955-A-G. GRCh37 (hg19) VCF-style: chr1-63003626-A-G.
Other names: c.3407T>C, p.Leu1136Ser (NM_001271999.2, NM_001330614.2); c.3314T>C, p.Leu1105Ser (NM_001272000.2, NM_001272001.2, NM_033407.4); short protein forms L1105S, L1136S.
Identifiers: ClinVar variation 2005888 (VCV002005888.4), dbSNP rs1645401252, ClinGen allele CA340606730.
Genomic context (GRCh38, chr1:62,537,955, plus strand): 5'-GATGTTGCAGAAGAAACAGAAGGTGATGGAGATGCAGGTGGAGTAAGTAAGCTGCAGGGT[A>G]AGTTTAATGTAACATAGTGCTCATGACTGCAGATGATTCGTAGAAAATCCAGCCTCAAGG-3'
Protein context (NP_001354490.1, residues 1126-1146): CSHEHYVTLN[Leu1136Ser]PCSLLTPPAS

ClinVar aggregate classification (germline): Uncertain significance (1 of 4 stars; one submission).

Conditions:
Developmental and epileptic encephalopathy, 23 (DEE23). Also called: Epileptic encephalopathy, early infantile, 23. Identifiers: Orphanet 411986, MedGen C4014492, MONDO:0014371, OMIM 615859.

Submission:

Labcorp Genetics (formerly Invitae), Labcorp
Classification: Uncertain significance for Developmental and epileptic encephalopathy, 23. Last evaluated: 2022-06-13. Review status: criteria provided, single submitter. Criteria: Invitae Variant Classification Sherloc (09022015). Collection method: clinical testing. Allele origin: germline.
Comment: This sequence change replaces leucine, which is neutral and non-polar, with serine, which is neutral and polar, at codon 1136 of the DOCK7 protein (p.Leu1136Ser). This variant has not been reported in the literature in individuals affected with DOCK7-related conditions. This variant is not present in population databases (gnomAD no frequency). Algorithms developed to predict the effect of missense changes on protein structure and function are either unavailable or do not agree on the potential impact of this missense change (SIFT: "Deleterious"; PolyPhen-2: "Probably Damaging"; Align-GVGD: "Class C0"). In summary, the available evidence is currently insufficient to determine the role of this variant in disease. Therefore, it has been classified as a Variant of Uncertain Significance.